The following is an entry in ClinVar:

ClinVar aggregate classification (germline): Uncertain significance (1 of 4 stars; one submission).

Conditions:
Cardiovascular phenotype. Identifiers: MedGen CN230736.

Submission:

Ambry Genetics
Classification: Uncertain significance for Cardiovascular phenotype. Last evaluated: 2022-11-02. Review status: criteria provided, single submitter. Criteria: Ambry Variant Classification Scheme 2023. Collection method: clinical testing. Allele origin: germline.
Comment: The p.E1896K variant (also known as c.5686G>A), located in coding exon 2 of the ZNF469 gene, results from a G to A substitution at nucleotide position 5686. The glutamic acid at codon 1896 is replaced by lysine, an amino acid with similar properties. This amino acid position is conserved. In addition, this alteration is predicted to be tolerated by in silico analysis. Since supporting evidence is limited at this time, the clinical significance of this alteration remains unclear.

NM_001367624.2(ZNF469):c.5770G>A (p.Glu1924Lys)

Gene: ZNF469 (zinc finger protein 469; plus strand). Cytogenetic location: 16q24.2.
Variant type: single nucleotide variant.
Coding change: c.5770G>A on transcript NM_001367624.2 (MANE Select); coding-DNA position 5770, G replaced by A.
Protein change: p.Glu1924Lys; replaces glutamic acid 1924 with lysine.
Molecular consequence: missense variant.
Genome position (GRCh38, 1-based): chr16:88,433,240, G>A. VCF-style: chr16-88433240-G-A. GRCh37 (hg19) VCF-style: chr16-88499648-G-A.
Other names: NM_001127464.1:c.5686G>A; short protein forms E1924K.
Identifiers: ClinVar variation 2449432 (VCV002449432.2), dbSNP rs1373482803, ClinGen allele CA397102303.